The following is an entry in ClinVar:

NM_001330078.2(NRXN1):c.2837G>A (p.Ser946Asn)

Gene: NRXN1 (neurexin 1; minus strand). Cytogenetic location: 2p16.3.
Variant type: single nucleotide variant.
Coding change: c.2837G>A on transcript NM_001330078.2 (MANE Select); coding-DNA position 2837, G replaced by A.
Protein change: p.Ser946Asn; replaces serine 946 with asparagine.
Molecular consequence: missense variant.
Genome position (GRCh38, 1-based): chr2:50,497,375, C>T on the plus strand (G>A on the coding strand, the complement: NRXN1 is on the minus strand). VCF-style: chr2-50497375-C-T. GRCh37 (hg19) VCF-style: chr2-50724513-C-T.
Other names: c.2957G>A (NM_001135659.1); c.2957G>A, p.Ser986Asn (NM_001135659.3); c.2813G>A, p.Ser938Asn (NM_001330077.2, NM_001330082.2); c.2771G>A, p.Ser924Asn (NM_001330083.2, NM_001330084.2); c.2810G>A, p.Ser937Asn (NM_001330085.2); c.2837G>A, p.Ser946Asn (NM_001330086.2, NM_004801.6); c.2726G>A, p.Ser909Asn (NM_001330087.2, NM_001330096.2); c.2756G>A, p.Ser919Asn (NM_001330088.2); and 3 more; short protein forms S924N, S942N, S946N, S919N, S938N, S937N, S945N, S986N.
Identifiers: ClinVar variation 1516979 (VCV001516979.9), dbSNP rs201337797, ClinGen allele CA346776770.

ClinVar aggregate classification (germline): Uncertain significance. Review status: criteria provided, multiple submitters, no conflicts (2 of 4 stars). 2 submissions from 2 submitters: Uncertain significance (2). Last evaluated 2025-05-15.

Conditions:
Pitt-Hopkins-like syndrome 2 (PTHSL2). Identifiers: Orphanet 221150, Orphanet 600663, MedGen C3280479, MONDO:0013690, OMIM 614325.
Inborn genetic diseases. Identifiers: MedGen C0950123, MeSH D030342.

gnomAD v4.1: 1 of 1,565,906 alleles (0.000064%); highest among the groups gnomAD compares: African/African-American, 0.0014%; no homozygotes.

Submissions (2):

Ambry Genetics
Classification: Uncertain significance for Inborn genetic diseases. Last evaluated: 2025-05-15. Review status: criteria provided, single submitter. Criteria: Ambry Variant Classification Scheme 2023. Collection method: clinical testing. Allele origin: germline.

Labcorp Genetics (formerly Invitae), Labcorp
Classification: Uncertain significance for Pitt-Hopkins-like syndrome 2. Last evaluated: 2022-06-29. Review status: criteria provided, single submitter. Criteria: Invitae Variant Classification Sherloc (09022015). Collection method: clinical testing. Allele origin: germline.
Comment: This variant has not been reported in the literature in individuals affected with NRXN1-related conditions. This variant is not present in population databases (gnomAD no frequency). This sequence change replaces serine, which is neutral and polar, with asparagine, which is neutral and polar, at codon 986 of the NRXN1 protein (p.Ser986Asn). Algorithms developed to predict the effect of missense changes on protein structure and function are either unavailable or do not agree on the potential impact of this missense change (SIFT: "Tolerated"; PolyPhen-2: "Possibly Damaging"; Align-GVGD: "Class C0"). In summary, the available evidence is currently insufficient to determine the role of this variant in disease. Therefore, it has been classified as a Variant of Uncertain Significance.